The following is an entry in ClinVar:

ClinVar aggregate classification (germline): Uncertain significance. Review status: criteria provided, multiple submitters, no conflicts (2 of 4 stars). 3 submissions from 3 submitters: Uncertain significance (3). Last evaluated 2025-02-03.

Conditions:
Inborn genetic diseases. Identifiers: MedGen C0950123, MeSH D030342.

Allele frequency attached by ClinVar (database versions not stated): gnomAD exomes below 0.00001; gnomAD 0.00003; TOPMed 0.00003; ESP Exome Variant Server 0.00008.
gnomAD v4.1: 7 of 1,613,532 alleles (0.00043%); highest among the groups gnomAD compares: African/African-American, 0.0093%; no homozygotes.

Submissions (3):

Labcorp Genetics (formerly Invitae), Labcorp
Classification: Uncertain significance. Last evaluated: 2025-02-03. Review status: criteria provided, single submitter. Criteria: Invitae Variant Classification Sherloc (09022015). Collection method: clinical testing. Allele origin: germline.
Comment: This sequence change replaces isoleucine, which is neutral and non-polar, with valine, which is neutral and non-polar, at codon 165 of the ECHS1 protein (p.Ile165Val). This variant is present in population databases (rs369622226, gnomAD 0.007%). This variant has not been reported in the literature in individuals affected with ECHS1-related conditions. ClinVar contains an entry for this variant (Variation ID: 2176371). Invitae Evidence Modeling of protein sequence and biophysical properties (such as structural, functional, and spatial information, amino acid conservation, physicochemical variation, residue mobility, and thermodynamic stability) indicates that this missense variant is not expected to disrupt ECHS1 protein function with a negative predictive value of 80%. In summary, the available evidence is currently insufficient to determine the role of this variant in disease. Therefore, it has been classified as a Variant of Uncertain Significance.

Ambry Genetics
Classification: Uncertain significance for Inborn genetic diseases. Last evaluated: 2024-01-02. Review status: criteria provided, single submitter. Criteria: Ambry Variant Classification Scheme 2023. Collection method: clinical testing. Allele origin: germline.

GeneDx
Classification: Uncertain significance. Last evaluated: 2023-03-09. Review status: criteria provided, single submitter. Criteria: GeneDx Variant Classification Process June 2021. Collection method: clinical testing. Allele origin: germline. Affected: yes.
Comment: Not observed at significant frequency in large population cohorts (gnomAD); In silico analysis supports that this missense variant does not alter protein structure/function; Has not been previously published as pathogenic or benign to our knowledge

NM_004092.4(ECHS1):c.493A>G (p.Ile165Val)

Gene: ECHS1 (enoyl-CoA hydratase, short chain 1; minus strand). Cytogenetic location: 10q26.3.
Variant type: single nucleotide variant.
Coding change: c.493A>G on transcript NM_004092.4 (MANE Select); coding-DNA position 493, A replaced by G.
Protein change: p.Ile165Val; replaces isoleucine 165 with valine.
Molecular consequence: missense variant.
Genome position (GRCh38, 1-based): chr10:133,368,944, T>C on the plus strand (A>G on the coding strand, the complement: ECHS1 is on the minus strand). VCF-style: chr10-133368944-T-C. GRCh37 (hg19) VCF-style: chr10-135182448-T-C.
Other names: c.493A>G (NM_004092.3); short protein forms I165V.
Identifiers: ClinVar variation 2176371 (VCV002176371.4), dbSNP rs369622226, ClinGen allele CA216817811.
Genomic context (GRCh38, chr10:133,368,944, plus strand): 5'-ACCTAAGGCATCTATGCCAGAGACAGTGTCACTCTTTACCTGGGATGGTTCCTATTAAGA[T>C]CTCCGGCTGTGCAAACTGGGCCTTCTCACCGGCATAGATGATATCACACATCATGGCAAG-3'
Protein context (NP_004083.3, residues 155-175): GEKAQFAQPE[Ile165Val]LIGTIPGAGG